The following is an entry in ClinVar:

ClinVar aggregate classification (germline): Uncertain significance. Review status: criteria provided, multiple submitters, no conflicts (2 of 4 stars). 2 submissions from 2 submitters: Uncertain significance (2). Last evaluated 2022-01-23.

Conditions:
Congenital myasthenic syndrome 8. Also called: MYASTHENIC SYNDROME, CONGENITAL, DUE TO AGRIN DEFICIENCY; Myasthenic syndrome, congenital, 8, with pre- and postsynaptic defects. Identifiers: Orphanet 590, MedGen C3808739, MONDO:0014052, OMIM 615120.

Allele frequency attached by ClinVar (database versions not stated): TOPMed 0.00002; gnomAD 0.00001.
gnomAD v4.1: 23 of 1,609,000 alleles (0.0014%); highest among the groups gnomAD compares: Admixed American, 0.0067%; no homozygotes.

Submissions (2):

Labcorp Genetics (formerly Invitae), Labcorp
Classification: Uncertain significance for Congenital myasthenic syndrome 8. Last evaluated: 2022-01-23. Review status: criteria provided, single submitter. Criteria: Invitae Variant Classification Sherloc (09022015). Collection method: clinical testing. Allele origin: germline.
Comment: In summary, the available evidence is currently insufficient to determine the role of this variant in disease. Therefore, it has been classified as a Variant of Uncertain Significance. Algorithms developed to predict the effect of missense changes on protein structure and function are either unavailable or do not agree on the potential impact of this missense change (SIFT: "Deleterious"; PolyPhen-2: "Probably Damaging"; Align-GVGD: "Class C0"). ClinVar contains an entry for this variant (Variation ID: 390111). This variant has not been reported in the literature in individuals affected with AGRN-related conditions. This variant is present in population databases (no rsID available, gnomAD 0.009%). This sequence change replaces glycine, which is neutral and non-polar, with serine, which is neutral and polar, at codon 636 of the AGRN protein (p.Gly636Ser).

GeneDx
Classification: Uncertain significance. Last evaluated: 2016-10-20. Review status: criteria provided, single submitter. Criteria: GeneDx Variant Classification (06012015). Collection method: clinical testing. Allele origin: germline. Affected: yes.
Comment: The G636S variant has not been published as a pathogenic variant, nor has it been reported as a benign variant to our knowledge. It was not observed in approximately 6,500 individuals of European and African American ancestry in the NHLBI Exome Sequencing Project, indicating it is not a common benign variant in these populations. The G636S variant is a non-conservative amino acid substitution, which is likely to impact secondary protein structure as these residues differ in polarity, charge, size and/or other properties. Additionally, in silico analysis predicts this variant is probably damaging to the protein structure/function. However, missense variants in nearby residues have not been reported in the Human Gene Mutation Database in association with congenital myasthenia syndrome (Stenson et al., 2014). This substitution occurs at a position where amino acids with similar properties to Glycine are tolerated across species.

NM_198576.4(AGRN):c.1906G>A (p.Gly636Ser)

Gene: AGRN (agrin; plus strand). Cytogenetic location: 1p36.33.
Variant type: single nucleotide variant.
Coding change: c.1906G>A on transcript NM_198576.4 (MANE Select); coding-DNA position 1906, G replaced by A.
Protein change: p.Gly636Ser; replaces glycine 636 with serine.
Molecular consequence: missense variant.
Genome position (GRCh38, 1-based): chr1:1,043,930, G>A. VCF-style: chr1-1043930-G-A. GRCh37 (hg19) VCF-style: chr1-979310-G-A.
Other names: c.1906G>A, p.Gly636Ser (NM_001305275.2); c.1591G>A, p.Gly531Ser (NM_001364727.2); short protein forms G636S, G531S.
Identifiers: ClinVar variation 390111 (VCV000390111.10), dbSNP rs1042435801, ClinGen allele CA16603377.
Genomic context (GRCh38, chr1:1,043,930, plus strand): 5'-GGGCAGTGTGTGTGTCCCCGGTGTGAGCACCCCCCGCCCGGCCCCGTGTGTGGCAGCGAC[G>A]GTGTCACCTACGGCAGTGCCTGCGAGCTACGGGAAGCCGCCTGCCTCCAGCAGACACAGA-3'
Protein context (NP_940978.2, residues 626-646): PPPGPVCGSD[Gly636Ser]VTYGSACELR